The following is an entry in ClinVar:

ClinVar aggregate classification (germline): Uncertain significance (1 of 4 stars; one submission).

Conditions:
Hereditary cancer-predisposing syndrome. Also called: Neoplastic Syndromes, Hereditary; Hereditary Cancer Syndrome; Hereditary neoplastic syndrome; Tumor predisposition. Identifiers: Orphanet 140162, MedGen C0027672, MeSH D009386, MONDO:0015356.

Submission:

Ambry Genetics
Classification: Uncertain significance for Hereditary cancer-predisposing syndrome. Last evaluated: 2023-04-28. Review status: criteria provided, single submitter. Criteria: Ambry Variant Classification Scheme 2023. Collection method: clinical testing. Allele origin: germline.
Comment: The p.F447V variant (also known as c.1339T>G), located in coding exon 8 of the MEN1 gene, results from a T to G substitution at nucleotide position 1339. The phenylalanine at codon 447 is replaced by valine, an amino acid with highly similar properties. This amino acid position is conserved. In addition, this alteration is predicted to be deleterious by in silico analysis. Since supporting evidence is limited at this time, the clinical significance of this alteration remains unclear.

NM_001370259.2(MEN1):c.1339T>G (p.Phe447Val)

Gene: MEN1 (menin 1; minus strand). Cytogenetic location: 11q13.1.
Variant type: single nucleotide variant.
Coding change: c.1339T>G on transcript NM_001370259.2 (MANE Select); coding-DNA position 1339, T replaced by G.
Protein change: p.Phe447Val; replaces phenylalanine 447 with valine.
Molecular consequence: missense variant. On other transcripts: non-coding transcript variant (4), intron variant (1).
Genome position (GRCh38, 1-based): chr11:64,805,045, A>C on the plus strand (T>G on the coding strand, the complement: MEN1 is on the minus strand). VCF-style: chr11-64805045-A-C. GRCh37 (hg19) VCF-style: chr11-64572517-A-C.
Other names: c.1354T>G, p.Phe452Val (NM_000244.4, NM_001407145.1, NM_130800.3 and 4 more transcripts); c.1465T>G, p.Phe489Val (NM_001370251.2, NM_001407142.1, NM_001407143.1 and 1 more transcripts); c.1339T>G, p.Phe447Val (NM_001370260.2, NM_001370261.2, NM_001407146.1 and 2 more transcripts); c.1234T>G, p.Phe412Val (NM_001370262.2, NM_001370263.2, NM_001407148.1 and 1 more transcripts); c.1480T>G, p.Phe494Val (NM_001407150.1); c.1360T>G, p.Phe454Val (NM_001407151.1); c.1186-229T>G (NM_001407152.1); short protein forms F412V, F454V, F494V, F447V, F452V, F489V.
Identifiers: ClinVar variation 2564971 (VCV002564971.2), dbSNP rs764685104, ClinGen allele CA381180074.